The following is an entry in ClinVar:

NM_018474.6(KIZ):c.274G>C (p.Val92Leu)

Genes: KIZ (kizuna centrosomal protein; plus strand), LOC130065509 (ATAC-STARR-seq lymphoblastoid active region 17619; plus strand). Cytogenetic location: 20p11.23.
Variant type: single nucleotide variant.
Coding change: c.274G>C on transcript NM_018474.6 (MANE Select); coding-DNA position 274, G replaced by C.
Protein change: p.Val92Leu; replaces valine 92 with leucine.
Molecular consequence: missense variant. On other transcripts: 5 prime UTR variant (1), intron variant (4).
Genome position (GRCh38, 1-based): chr20:21,136,511, G>C. VCF-style: chr20-21136511-G-C. GRCh37 (hg19) VCF-style: chr20-21117152-G-C.
Other names: c.274G>C, p.Val92Leu (NM_001352434.2); c.-113G>C (NM_001352436.2); c.169-9054G>C (NM_001276389.2); c.6+4352G>C (NM_001163022.3, NM_001352435.2, NM_001163023.3); short protein forms V92L.
Identifiers: ClinVar variation 1516606 (VCV001516606.6), dbSNP rs766002545, ClinGen allele CA9784608.

ClinVar aggregate classification (germline): Uncertain significance (1 of 4 stars; one submission).

Allele frequency attached by ClinVar (database versions not stated): ExAC 0.00001; TOPMed 0.00001; gnomAD exomes 0.00002.
gnomAD v4.1: 4 of 1,598,012 alleles (0.00025%); highest among the groups gnomAD compares: Admixed American, 0.007%; no homozygotes.

Submission:

Labcorp Genetics (formerly Invitae), Labcorp
Classification: Uncertain significance. Last evaluated: 2022-07-05. Review status: criteria provided, single submitter. Criteria: Invitae Variant Classification Sherloc (09022015). Collection method: clinical testing. Allele origin: germline.
Comment: In summary, the available evidence is currently insufficient to determine the role of this variant in disease. Therefore, it has been classified as a Variant of Uncertain Significance. ClinVar contains an entry for this variant (Variation ID: 1516606). This variant has not been reported in the literature in individuals affected with KIZ-related conditions. This variant is present in population databases (rs766002545, gnomAD 0.01%). This sequence change replaces valine with leucine at codon 92 of the KIZ protein (p.Val92Leu).